The following is an entry in ClinVar:

ClinVar aggregate classification (germline): Benign/Likely benign. Review status: criteria provided, multiple submitters, no conflicts (2 of 4 stars). 5 submissions from 5 submitters: Benign (2); Likely benign (3). Last evaluated 2026-02-03.

Conditions:
Charcot-Marie-Tooth disease axonal type 2O. Also called: Charcot-Marie-Tooth Neuropathy Type 2O; CHARCOT-MARIE-TOOTH NEUROPATHY, AXONAL, TYPE 2O; CHARCOT-MARIE-TOOTH DISEASE, AXONAL, AUTOSOMAL DOMINANT, TYPE 2O; Charcot-Marie-Tooth disease, axonal, type 20. Identifiers: Orphanet 284232, MedGen C3280220, MONDO:0013644, OMIM 614228.
Charcot-Marie-Tooth disease. Also called: Charcot-Marie-Tooth Neuropathy; Charcot-Marie-Tooth Hereditary Neuropathy. Identifiers: Orphanet 166, MedGen C0007959, MONDO:0015626.

Allele frequency attached by ClinVar (database versions not stated): 1000 Genomes Project 30x 0.00031; TOPMed 0.00034; 1000 Genomes Project 0.00040.
gnomAD v4.1: 218 of 1,613,702 alleles (0.014%); highest among the groups gnomAD compares: Admixed American, 0.13%; no homozygotes.

Submissions (5):

Labcorp Genetics (formerly Invitae), Labcorp
Classification: Benign for Charcot-Marie-Tooth disease axonal type 2O. Last evaluated: 2026-02-03. Review status: criteria provided, single submitter. Criteria: Invitae Variant Classification Sherloc (09022015). Collection method: clinical testing. Allele origin: germline.

Blueprint Genetics
Classification: Likely benign. Last evaluated: 2024-07-23. Review status: criteria provided, single submitter. Criteria: ACMG Guidelines, 2015. Collection method: clinical testing. Allele origin: germline.

ARUP Laboratories, Molecular Genetics and Genomics, ARUP Laboratories
Classification: Benign. Last evaluated: 2024-04-23. Review status: criteria provided, single submitter. Criteria: ARUP Molecular Germline Variant Investigation Process 2024. Collection method: clinical testing. Allele origin: germline.

GeneDx
Classification: Likely benign. Last evaluated: 2017-08-08. Review status: criteria provided, single submitter. Criteria: GeneDx Variant Classification (06012015). Collection method: clinical testing. Allele origin: germline. Affected: yes.
Comment: This variant is considered likely benign or benign based on one or more of the following criteria: it is a conservative change, it occurs at a poorly conserved position in the protein, it is predicted to be benign by multiple in silico algorithms, and/or has population frequency not consistent with disease.

Molecular Genetics Laboratory, London Health Sciences Centre
Classification: Likely benign for Charcot-Marie-Tooth disease. Review status: criteria provided, single submitter. Criteria: ACMG Guidelines, 2015. Collection method: clinical testing. Allele origin: germline. Affected: yes.

NM_001376.5(DYNC1H1):c.6222-20C>A

Gene: DYNC1H1 (dynein cytoplasmic 1 heavy chain 1; plus strand). Cytogenetic location: 14q32.31.
Variant type: single nucleotide variant.
Coding change: c.6222-20C>A on transcript NM_001376.5 (MANE Select); 20 bases into the intron before coding-DNA position 6222, C replaced by A.
Molecular consequence: intron variant.
Genome position (GRCh38, 1-based): chr14:102,010,256, C>A. VCF-style: chr14-102010256-C-A. GRCh37 (hg19) VCF-style: chr14-102476593-C-A.
Identifiers: ClinVar variation 511211 (VCV000511211.12), dbSNP rs200368499, ClinGen allele CA7352579.
Genomic context (GRCh38, chr14:102,010,256, plus strand): 5'-CTCTGGTTTCTTGACACTTGACCCTATTATTGCTTAAAGTATACTGTTATTAAAGATAGC[C>A]TTTTTTTCTTCTTTTCTAGACTATGCGATGAGCAGCTCTCTTCCCAAAGCCATTATGACT-3'